The following is an entry in ClinVar:

ClinVar aggregate classification (germline): Uncertain significance (1 of 4 stars; one submission).

Submission:

Labcorp Genetics (formerly Invitae), Labcorp
Classification: Uncertain significance. Last evaluated: 2023-11-27. Review status: criteria provided, single submitter. Criteria: Invitae Variant Classification Sherloc (09022015). Collection method: clinical testing. Allele origin: germline.
Comment: This sequence change replaces proline, which is neutral and non-polar, with histidine, which is basic and polar, at codon 1035 of the CACNA2D4 protein (p.Pro1035His). This variant is not present in population databases (gnomAD no frequency). This variant has not been reported in the literature in individuals affected with CACNA2D4-related conditions. ClinVar contains an entry for this variant (Variation ID: 2127930). An algorithm developed to predict the effect of missense changes on protein structure and function (PolyPhen-2) suggests that this variant is likely to be tolerated. In summary, the available evidence is currently insufficient to determine the role of this variant in disease. Therefore, it has been classified as a Variant of Uncertain Significance.

NM_172364.5(CACNA2D4):c.3104C>A (p.Pro1035His)

Gene: CACNA2D4 (calcium voltage-gated channel auxiliary subunit alpha2delta 4; minus strand). Cytogenetic location: 12p13.33.
Variant type: single nucleotide variant.
Coding change: c.3104C>A on transcript NM_172364.5 (MANE Select); coding-DNA position 3104, C replaced by A.
Protein change: p.Pro1035His; replaces proline 1035 with histidine.
Molecular consequence: missense variant.
Genome position (GRCh38, 1-based): chr12:1,797,427, G>T on the plus strand (C>A on the coding strand, the complement: CACNA2D4 is on the minus strand). VCF-style: chr12-1797427-G-T. GRCh37 (hg19) VCF-style: chr12-1906593-G-T.
Other names: short protein forms P1035H.
Identifiers: ClinVar variation 2127930 (VCV002127930.4), dbSNP rs2497690008, ClinGen allele CA383348440.